The following is an entry in ClinVar:

ClinVar aggregate classification (germline): Uncertain significance (1 of 4 stars; one submission).

Conditions:
RASopathy. Also called: rasopathies; Noonan spectrum disorder. Identifiers: Orphanet 536391, MedGen C5555857, MONDO:0021060.

Submission:

Labcorp Genetics (formerly Invitae), Labcorp
Classification: Uncertain significance for RASopathy. Last evaluated: 2020-11-15. Review status: criteria provided, single submitter. Criteria: Invitae Variant Classification Sherloc (09022015). Collection method: clinical testing. Allele origin: germline.
Comment: This sequence change replaces phenylalanine with isoleucine at codon 283 of the SOS1 protein (p.Phe283Ile). The phenylalanine residue is highly conserved and there is a small physicochemical difference between phenylalanine and isoleucine. This variant is not present in population databases (ExAC no frequency). This variant has not been reported in the literature in individuals with SOS1-related conditions. Advanced modeling of protein sequence and biophysical properties (such as structural, functional, and spatial information, amino acid conservation, physicochemical variation, residue mobility, and thermodynamic stability) performed at Invitae indicates that this missense variant is expected to disrupt SOS1 protein function. In summary, the available evidence is currently insufficient to determine the role of this variant in disease. Therefore, it has been classified as a Variant of Uncertain Significance.

NM_005633.4(SOS1):c.847T>A (p.Phe283Ile)

Gene: SOS1 (SOS Ras/Rac guanine nucleotide exchange factor 1; minus strand). Cytogenetic location: 2p22.1.
Variant type: single nucleotide variant.
Coding change: c.847T>A on transcript NM_005633.4 (MANE Select); coding-DNA position 847, T replaced by A.
Protein change: p.Phe283Ile; replaces phenylalanine 283 with isoleucine.
Molecular consequence: missense variant.
Genome position (GRCh38, 1-based): chr2:39,051,161, A>T on the plus strand (T>A on the coding strand, the complement: SOS1 is on the minus strand). VCF-style: chr2-39051161-A-T. GRCh37 (hg19) VCF-style: chr2-39278302-A-T.
Other names: c.826T>A, p.Phe276Ile (NM_001382394.1); c.847T>A, p.Phe283Ile (NM_001382395.1); short protein forms F283I, F276I.
Identifiers: ClinVar variation 1046522 (VCV001046522.8), dbSNP rs1222945881, ClinGen allele CA346367582.